The following is an entry in ClinVar:

NM_006660.5(CLPX):c.893-8A>G

Gene: CLPX (caseinolytic mitochondrial matrix peptidase chaperone subunit X; minus strand). Cytogenetic location: 15q22.31.
Variant type: single nucleotide variant.
Coding change: c.893-8A>G on transcript NM_006660.5 (MANE Select); 8 bases into the intron before coding-DNA position 893, A replaced by G.
Molecular consequence: intron variant.
Genome position (GRCh38, 1-based): chr15:65,157,918, T>C on the plus strand (A>G on the coding strand, the complement: CLPX is on the minus strand). VCF-style: chr15-65157918-T-C. GRCh37 (hg19) VCF-style: chr15-65450256-T-C.
Other names: c.893-8A>G (NM_006660.4).
Identifiers: ClinVar variation 1652180 (VCV001652180.10), dbSNP rs201678998, ClinGen allele CA7614765.

ClinVar aggregate classification (germline): Likely benign. Review status: criteria provided, single submitter (1 of 4 stars). 2 submissions from 2 submitters: Likely benign (1). 1 of the submissions does not count toward it. Last evaluated 2022-09-01.

Conditions:
CLPX-related disorder. Also called: CLPX-related condition.

Allele frequency attached by ClinVar (database versions not stated): ExAC 0.00003; gnomAD exomes 0.00003; TOPMed 0.00003; gnomAD 0.00005; ESP Exome Variant Server 0.00008; 1000 Genomes Project 30x 0.00016; 1000 Genomes Project 0.00020.
gnomAD v4.1: 47 of 1,564,854 alleles (0.003%); highest among the groups gnomAD compares: Middle Eastern, 0.017%; no homozygotes.

Submissions (2):

Labcorp Genetics (formerly Invitae), Labcorp
Classification: Likely benign. Last evaluated: 2022-09-01. Review status: criteria provided, single submitter. Criteria: Invitae Variant Classification Sherloc (09022015). Collection method: clinical testing. Allele origin: germline.

PreventionGenetics, part of Exact Sciences
Classification: Likely benign for CLPX-related condition. Last evaluated: 2019-07-12. Review status: no assertion criteria provided. Collection method: clinical testing. Allele origin: germline. Not counted in ClinVar's aggregate classification.
Comment: This variant is classified as likely benign based on ACMG/AMP sequence variant interpretation guidelines (Richards et al. 2015 PMID: 25741868, with internal and published modifications).